The following is an entry in ClinVar:

ClinVar aggregate classification (germline): Uncertain significance (1 of 4 stars; one submission).

Conditions:
Hereditary cancer-predisposing syndrome. Also called: Hereditary Cancer Syndrome; Neoplastic Syndromes, Hereditary; Tumor predisposition; Hereditary neoplastic syndrome. Identifiers: Orphanet 140162, MedGen C0027672, MeSH D009386, MONDO:0015356.

Allele frequency attached by ClinVar (database versions not stated): ESP Exome Variant Server 0.00008.

Submission:

Ambry Genetics
Classification: Uncertain significance for Hereditary cancer-predisposing syndrome. Last evaluated: 2024-02-28. Review status: criteria provided, single submitter. Criteria: Ambry Variant Classification Scheme 2023. Collection method: clinical testing. Allele origin: germline.
Comment: The p.R163L variant (also known as c.488G>T), located in coding exon 4 of the EPCAM gene, results from a G to T substitution at nucleotide position 488. The arginine at codon 163 is replaced by leucine, an amino acid with dissimilar properties. This amino acid position is conserved. In addition, this alteration is predicted to be tolerated by in silico analysis. Since supporting evidence is limited at this time, the clinical significance of this alteration remains unclear.

NM_002354.3(EPCAM):c.488G>T (p.Arg163Leu)

Gene: EPCAM (epithelial cell adhesion molecule; plus strand). Cytogenetic location: 2p21.
Variant type: single nucleotide variant.
Coding change: c.488G>T on transcript NM_002354.3 (MANE Select); coding-DNA position 488, G replaced by T.
Protein change: p.Arg163Leu; replaces arginine 163 with leucine.
Molecular consequence: missense variant.
Genome position (GRCh38, 1-based): chr2:47,375,296, G>T. VCF-style: chr2-47375296-G-T. GRCh37 (hg19) VCF-style: chr2-47602435-G-T.
Other names: short protein forms R163L.
Identifiers: ClinVar variation 1743855 (VCV001743855.2), dbSNP rs146044104, ClinGen allele CA1649012.